The following is an entry in ClinVar:

NM_001164508.2(NEB):c.4694A>C (p.Lys1565Thr)

Gene: NEB (nebulin; minus strand). Cytogenetic location: 2q23.3.
Variant type: single nucleotide variant.
Coding change: c.4694A>C on transcript NM_001164508.2 (MANE Select); coding-DNA position 4694, A replaced by C.
Protein change: p.Lys1565Thr; replaces lysine 1565 with threonine.
Molecular consequence: missense variant.
Genome position (GRCh38, 1-based): chr2:151,667,829, T>G on the plus strand (A>C on the coding strand, the complement: NEB is on the minus strand). VCF-style: chr2-151667829-T-G. GRCh37 (hg19) VCF-style: chr2-152524343-T-G.
Other names: c.4694A>C, p.Lys1565Thr (NM_001164507.2, NM_001271208.2, NM_004543.5); short protein forms K1565T.
Identifiers: ClinVar variation 1999305 (VCV001999305.4), dbSNP rs2552258936, ClinGen allele CA348814235.

ClinVar aggregate classification (germline): Uncertain significance (1 of 4 stars; one submission).

Conditions:
Nemaline myopathy 2 (NEM2). Also called: Nemaline myopathy 2, autosomal recessive. Identifiers: MedGen C1850569, MONDO:0009725, OMIM 256030.

Submission:

Labcorp Genetics (formerly Invitae), Labcorp
Classification: Uncertain significance for Nemaline myopathy 2. Last evaluated: 2022-05-30. Review status: criteria provided, single submitter. Criteria: Invitae Variant Classification Sherloc (09022015). Collection method: clinical testing. Allele origin: germline.
Comment: In summary, the available evidence is currently insufficient to determine the role of this variant in disease. Therefore, it has been classified as a Variant of Uncertain Significance. Algorithms developed to predict the effect of missense changes on protein structure and function are either unavailable or do not agree on the potential impact of this missense change (SIFT: "Deleterious"; PolyPhen-2: "Not Available"; Align-GVGD: "Class C0"). This sequence change replaces lysine, which is basic and polar, with threonine, which is neutral and polar, at codon 1565 of the NEB protein (p.Lys1565Thr). This variant is not present in population databases (gnomAD no frequency). This variant has not been reported in the literature in individuals affected with NEB-related conditions.